The following is an entry in ClinVar:

ClinVar aggregate classification (germline): Uncertain significance (1 of 4 stars; one submission).

Conditions:
Syndromic X-linked intellectual disability 94 (MRXSW). Also called: MENTAL RETARDATION, X-LINKED, SYNDROMIC 29; X-linked intellectual disability due to GRIA3 anomalies. Identifiers: Orphanet 364028, MedGen C2678051, MONDO:0010402, OMIM 300699.

Submission:

Victorian Clinical Genetics Services, Murdoch Childrens Research Institute
Classification: Uncertain significance for Syndromic X-linked intellectual disability 94. Last evaluated: 2025-03-21. Review status: criteria provided, single submitter. Criteria: ACMG Guidelines, 2015. Collection method: clinical testing. Allele origin: germline. Affected: yes.
Comment: This variant is classified as VUS-3B. Evidence in support of pathogenic classification: Variant is absent from gnomAD (v2, v3 and v4). Additional information: Variant is predicted to result in a missense amino acid change from isoleucine to valine; This variant is hemizygous; This gene is associated with X-linked disease (PMID: 38038360); This variant has no previous evidence of pathogenicity; No published segregation evidence has been identified for this variant; No published functional evidence has been identified for this variant; No comparable missense variants have previous evidence for pathogenicity; Variant is located in the annotated ANF receptor domain (DECIPHER); Missense variant with inconclusive in silico prediction and uninformative conservation; Loss of function and gain of function are known mechanisms of disease in this gene and are associated with Wu type X-linked syndromic intellectual developmental disorder (MIM#300699). Gain of function has been associated with a more severe phenotype (PMID: 38038360); Variants in this gene are known to have variable expressivity (PMID: 32977175).

Literature cited by the submitters: PubMed 32977175; PubMed 38038360.

NM_007325.5(GRIA3):c.685A>G (p.Ile229Val)

Gene: GRIA3 (glutamate ionotropic receptor AMPA type subunit 3; plus strand). Cytogenetic location: Xq25.
Variant type: single nucleotide variant.
Coding change: c.685A>G on transcript NM_007325.5 (MANE Select); coding-DNA position 685, A replaced by G.
Protein change: p.Ile229Val; replaces isoleucine 229 with valine.
Molecular consequence: missense variant.
Genome position (GRCh38, 1-based): chrX:123,326,202, A>G. VCF-style: chrX-123326202-A-G. GRCh37 (hg19) VCF-style: chrX-122460053-A-G.
Other names: c.685A>G, p.Ile229Val (NM_000828.5); short protein forms I229V.
Identifiers: ClinVar variation 4532155 (VCV004532155.1).